The following is an entry in ClinVar:

ClinVar aggregate classification (germline): Uncertain significance (1 of 4 stars; one submission).

Submission:

Ambry Genetics
Classification: Uncertain significance. Last evaluated: 2025-09-17. Review status: criteria provided, single submitter. Criteria: Ambry Variant Classification Scheme 2023. Collection method: clinical testing. Allele origin: germline.
Comment: The p.S331R variant (also known as c.993C>G), located in coding exon 7 of the RINT1 gene, results from a C to G substitution at nucleotide position 993. The serine at codon 331 is replaced by arginine, an amino acid with dissimilar properties. This amino acid position is conserved. In addition, the in silico prediction for this alteration is inconclusive. Based on the available evidence, the clinical significance of this variant remains unclear.

NM_021930.6(RINT1):c.993C>G (p.Ser331Arg)

Gene: RINT1 (RAD50 interactor 1; plus strand). Cytogenetic location: 7q22.3.
Variant type: single nucleotide variant.
Coding change: c.993C>G on transcript NM_021930.6 (MANE Select); coding-DNA position 993, C replaced by G.
Protein change: p.Ser331Arg; replaces serine 331 with arginine.
Molecular consequence: missense variant. On other transcripts: 5 prime UTR variant (1), non-coding transcript variant (1), intron variant (1).
Genome position (GRCh38, 1-based): chr7:105,548,707, C>G. VCF-style: chr7-105548707-C-G. GRCh37 (hg19) VCF-style: chr7-105189154-C-G.
Other names: c.759C>G, p.Ser253Arg (NM_001346599.2); c.-27C>G (NM_001346600.2); c.69C>G, p.Ser23Arg (NM_001346601.2); c.-27-1348C>G (NM_001346603.2); short protein forms S331R, S253R, S23R.
Identifiers: ClinVar variation 4578198 (VCV004578198.1).